The following is an entry in ClinVar:

NM_001105206.3(LAMA4):c.2939_2940del (p.Thr980fs)

Gene: LAMA4 (laminin subunit alpha 4; minus strand). Cytogenetic location: 6q21.
Variant type: Microsatellite.
Coding change: c.2939_2940del on transcript NM_001105206.3 (MANE Select); coding-DNA positions 2939 to 2940, 2 bases deleted (CA; older notation c.2939_2940delCA).
Protein change: p.Thr980fs; shifts the reading frame from threonine 980.
Molecular consequence: frameshift variant.
Genome position (GRCh38, 1-based): chr6:112,140,796-112,140,797, TG deleted on the plus strand (CA on the coding strand, the reverse complement: LAMA4 is on the minus strand); deleting any 2 consecutive bases within chr6:112,140,796-112,140,800 gives the same sequence; the c. name uses the placement nearest the transcript's 3' end. VCF-style (leftmost placement, unchanged base first): chr6-112140795-CTG-C. GRCh37 (hg19) VCF-style: chr6-112461997-CTG-C.
Other names: c.2918_2919del, p.Thr973fs (NM_001105207.3, NM_002290.5); short protein forms T973fs, T980fs.
Identifiers: ClinVar variation 1358270 (VCV001358270.6), dbSNP rs2114700209, ClinGen allele CA2580617325.

ClinVar aggregate classification (germline): Uncertain significance (1 of 4 stars; one submission).

Conditions:
Dilated cardiomyopathy 1JJ (CMD1JJ). Identifiers: Orphanet 154, MedGen C3808935, MONDO:0014095, OMIM 615235.

Submission:

Labcorp Genetics (formerly Invitae), Labcorp
Classification: Uncertain significance for Dilated cardiomyopathy 1JJ. Last evaluated: 2022-11-01. Review status: criteria provided, single submitter. Criteria: Invitae Variant Classification Sherloc (09022015). Collection method: clinical testing. Allele origin: germline.
Comment: This sequence change creates a premature translational stop signal (p.Thr973Serfs*33) in the LAMA4 gene. It is expected to result in an absent or disrupted protein product. However, the current clinical and genetic evidence is not sufficient to establish whether loss-of-function variants in LAMA4 cause disease. This variant is not present in population databases (gnomAD no frequency). This variant has not been reported in the literature in individuals affected with LAMA4-related conditions. In summary, the available evidence is currently insufficient to determine the role of this variant in disease. Therefore, it has been classified as a Variant of Uncertain Significance.